The following is an entry in ClinVar:

NM_001032283.3(TMPO):c.-2A>T

Genes: TMPO (thymopoietin; plus strand), TMPO-AS1 (TMPO antisense RNA 1; minus strand). Cytogenetic location: 12q23.1.
Variant type: single nucleotide variant.
Coding change: c.-2A>T on transcript NM_001032283.3 (MANE Select); 2 bases upstream of the start codon, A replaced by T.
Molecular consequence: 5 prime UTR variant. On other transcripts: non-coding transcript variant (1).
Genome position (GRCh38, 1-based): chr12:98,515,866, A>T. VCF-style: chr12-98515866-A-T. GRCh37 (hg19) VCF-style: chr12-98909644-A-T.
Other names: c.-2A>T (NM_001032284.3, NM_001307975.2, NM_003276.2).
Identifiers: ClinVar variation 2573822 (VCV002573822.2), dbSNP rs144959639, ClinGen allele CA6732091.

ClinVar aggregate classification (germline): Uncertain significance (1 of 4 stars; one submission).

Allele frequency attached by ClinVar (database versions not stated): ExAC 0.00003; gnomAD exomes 0.00006; TOPMed 0.00006; gnomAD 0.00007; ESP Exome Variant Server 0.00015.

Submission:

GeneDx
Classification: Uncertain significance. Last evaluated: 2025-10-09. Review status: criteria provided, single submitter. Criteria: GeneDx Variant Classification Process June 2021. Collection method: clinical testing. Allele origin: germline.
Comment: Nucleotide is not conserved across species and the substitution has no predicted effect on splicing; Has not been previously published as pathogenic or benign to our knowledge; Located in a regulatory region; in the absence of functional studies, the actual effect of this sequence change is unknown; Variants in candidate genes are classified as variants of uncertain significance in accordance with ACMG guidelines (PMID: 25741868)